The following is an entry in ClinVar:

ClinVar aggregate classification (germline): Uncertain significance (1 of 4 stars; one submission).

Conditions:
Hereditary cancer-predisposing syndrome. Also called: Neoplastic Syndromes, Hereditary; Tumor predisposition; Hereditary neoplastic syndrome; Hereditary Cancer Syndrome. Identifiers: Orphanet 140162, MedGen C0027672, MeSH D009386, MONDO:0015356.

Submission:

Ambry Genetics
Classification: Uncertain significance for Hereditary cancer-predisposing syndrome. Last evaluated: 2022-04-21. Review status: criteria provided, single submitter. Criteria: Ambry Variant Classification Scheme 2023. Collection method: clinical testing. Allele origin: germline.
Comment: The p.M254K variant (also known as c.761T>A), located in coding exon 7 of the FANCC gene, results from a T to A substitution at nucleotide position 761. The methionine at codon 254 is replaced by lysine, an amino acid with similar properties. This amino acid position is conserved. In addition, this alteration is predicted to be tolerated by in silico analysis. Since supporting evidence is limited at this time, the clinical significance of this alteration remains unclear.

NM_000136.3(FANCC):c.761T>A (p.Met254Lys)

Genes: AOPEP (aminopeptidase O (putative); plus strand), FANCC (FA complementation group C; minus strand). Cytogenetic location: 9q22.32.
Variant type: single nucleotide variant.
Coding change: c.761T>A on transcript NM_000136.3 (MANE Select); coding-DNA position 761, T replaced by A.
Protein change: p.Met254Lys; replaces methionine 254 with lysine.
Molecular consequence: missense variant.
Genome position (GRCh38, 1-based): chr9:95,135,428, A>T on the plus strand (T>A on the coding strand, the complement: FANCC is on the minus strand). VCF-style: chr9-95135428-A-T. GRCh37 (hg19) VCF-style: chr9-97897710-A-T.
Other names: c.761T>A, p.Met254Lys (NM_001243743.2, NM_001243744.2); short protein forms M254K.
Identifiers: ClinVar variation 3230394 (VCV003230394.1), dbSNP rs2541401358, ClinGen allele CA374109345.
Genomic context (GRCh38, chr9:95,135,428, plus strand): 5'-CATTCGATCCTTCTCAGACAATTTCTCTCACTGGAGATTAGCTTTTCAAAAAGATGCAGC[A>T]TTGCTTTTTCAAGGCTGGGAAGGTGCCGAAGCCAGAGGCAGACTACAGCTGACATGGGGA-3'
Protein context (NP_000127.2, residues 244-264): LRHLPSLEKA[Met254Lys]LHLFEKLISS